The following is an entry in ClinVar:

ClinVar aggregate classification (germline): Uncertain significance. Review status: criteria provided, multiple submitters, no conflicts (2 of 4 stars). 2 submissions from 2 submitters: Uncertain significance (2). Last evaluated 2026-01-28.

Conditions:
Hereditary cancer-predisposing syndrome. Also called: Tumor predisposition; Hereditary neoplastic syndrome; Hereditary Cancer Syndrome; Neoplastic Syndromes, Hereditary. Identifiers: Orphanet 140162, MedGen C0027672, MeSH D009386, MONDO:0015356.

Allele frequency attached by ClinVar (database versions not stated): gnomAD exomes below 0.00001.
gnomAD v4.1: 3 of 1,614,212 alleles (0.00019%); highest among the groups gnomAD compares: Non-Finnish European, 0.00025%; no homozygotes.

Submissions (2):

Ambry Genetics
Classification: Uncertain significance for Hereditary cancer-predisposing syndrome. Last evaluated: 2026-01-28. Review status: criteria provided, single submitter. Criteria: Ambry Variant Classification Scheme 2023. Collection method: clinical testing. Allele origin: germline.
Comment: The p.R326H variant (also known as c.977G>A), located in coding exon 6 of the CTNNA1 gene, results from a G to A substitution at nucleotide position 977. The arginine at codon 326 is replaced by histidine, an amino acid with highly similar properties. This amino acid position is highly conserved in available vertebrate species. In addition, the in silico prediction for this alteration is inconclusive. Based on the available evidence, the clinical significance of this variant remains unclear.

Labcorp Genetics (formerly Invitae), Labcorp
Classification: Uncertain significance. Last evaluated: 2023-10-22. Review status: criteria provided, single submitter. Criteria: Invitae Variant Classification Sherloc (09022015). Collection method: clinical testing. Allele origin: germline.
Comment: This sequence change replaces arginine, which is basic and polar, with histidine, which is basic and polar, at codon 326 of the CTNNA1 protein (p.Arg326His). This variant is present in population databases (no rsID available, gnomAD 0.0009%). This variant has not been reported in the literature in individuals affected with CTNNA1-related conditions. ClinVar contains an entry for this variant (Variation ID: 952687). Advanced modeling of protein sequence and biophysical properties (such as structural, functional, and spatial information, amino acid conservation, physicochemical variation, residue mobility, and thermodynamic stability) performed at Invitae indicates that this missense variant is expected to disrupt CTNNA1 protein function with a positive predictive value of 80%. In summary, the available evidence is currently insufficient to determine the role of this variant in disease. Therefore, it has been classified as a Variant of Uncertain Significance.

NM_001903.5(CTNNA1):c.977G>A (p.Arg326His)

Gene: CTNNA1 (catenin alpha 1; plus strand). Cytogenetic location: 5q31.2.
Variant type: single nucleotide variant.
Coding change: c.977G>A on transcript NM_001903.5 (MANE Select); coding-DNA position 977, G replaced by A.
Protein change: p.Arg326His; replaces arginine 326 with histidine.
Molecular consequence: missense variant.
Genome position (GRCh38, 1-based): chr5:138,827,633, G>A. VCF-style: chr5-138827633-G-A. GRCh37 (hg19) VCF-style: chr5-138163322-G-A.
Other names: c.977G>A (NM_001903.2); c.977G>A, p.Arg326His (NM_001290307.3, NM_001323982.2, NM_001323983.1 and 3 more transcripts); c.668G>A, p.Arg223His (NM_001290309.3); c.608G>A, p.Arg203His (NM_001290310.3); short protein forms R326H, R223H, R203H.
Identifiers: ClinVar variation 952687 (VCV000952687.8), dbSNP rs1454089908, ClinGen allele CA361131043.
Genomic context (GRCh38, chr5:138,827,633, plus strand): 5'-AGGAGCGTCTGGAAAGCATCATTAGTGGGGCTGCCTTGATGGCCGACTCGTCCTGCACGC[G>A]TGATGACCGTCGTGAGCGAATTGTGGCAGAGTGTAATGCTGTCCGCCAGGCCCTGCAGGA-3'
Protein context (NP_001894.2, residues 316-336): AALMADSSCT[Arg326His]DDRRERIVAE